The following is an entry in ClinVar:

NM_004260.4(RECQL4):c.1649C>T (p.Ala550Val)

Gene: RECQL4 (RecQ like helicase 4; minus strand). Cytogenetic location: 8q24.3.
Variant type: single nucleotide variant.
Coding change: c.1649C>T on transcript NM_004260.4 (MANE Select); coding-DNA position 1649, C replaced by T.
Protein change: p.Ala550Val; replaces alanine 550 with valine.
Molecular consequence: missense variant.
Genome position (GRCh38, 1-based): chr8:144,514,497, G>A on the plus strand (C>T on the coding strand, the complement: RECQL4 is on the minus strand). VCF-style: chr8-144514497-G-A. GRCh37 (hg19) VCF-style: chr8-145739881-G-A.
Other names: p.Ala550Val; short protein forms A550V.
Identifiers: ClinVar variation 212027 (VCV000212027.14), dbSNP rs764297840, ClinGen allele CA209922.
Genomic context (GRCh38, chr8:144,514,497, plus strand): 5'-CCCACCTTCTGCAGGACAGATTCCCGTTGCTTCCTGGTCATGCCCGAGTGTATGCAGGCC[G>A]CCTTGAGACACGGTGGCAGGCCAGACACCTGCAAATGCAGGAGCGACAGCCGTCATACGC-3'
Protein context (NP_004251.4, residues 540-560): QVSGLPPCLK[Ala550Val]ACIHSGMTRK

ClinVar aggregate classification (germline): Uncertain significance. Review status: criteria provided, multiple submitters, no conflicts (2 of 4 stars). 5 submissions from 5 submitters: Uncertain significance (4). 1 of the submissions does not count toward it. Last evaluated 2026-01-05.

Conditions:
RECQL4-related disorder. Also called: RECQL4-related condition; RECQL4-related disorders.
Rapadilino syndrome. Identifiers: Orphanet 3021, MedGen C1849453, MONDO:0009955, OMIM 266280.
Baller-Gerold syndrome (BGS). Also called: CRANIOSYNOSTOSIS WITH RADIAL DEFECTS. Identifiers: Orphanet 1225, MedGen C0265308, MONDO:0009039, OMIM 218600.
Rothmund-Thomson syndrome (RTS). Also called: Poikiloderma Congenitale; Poikiloderma of Rothmund-Thomson. Identifiers: Orphanet 2909, MedGen C0032339, MONDO:0010002.

Allele frequency attached by ClinVar (database versions not stated): ExAC 0.00006; TOPMed 0.00014.
gnomAD v4.1: 118 of 1,612,006 alleles (0.0073%); highest among the groups gnomAD compares: Non-Finnish European, 0.0097%; no homozygotes.

Submissions (5):

Labcorp Genetics (formerly Invitae), Labcorp
Classification: Uncertain significance for Baller-Gerold syndrome. Last evaluated: 2026-01-05. Review status: criteria provided, single submitter. Criteria: Invitae Variant Classification Sherloc (09022015). Collection method: clinical testing. Allele origin: germline.
Comment: This sequence change replaces alanine, which is neutral and non-polar, with valine, which is neutral and non-polar, at codon 550 of the RECQL4 protein (p.Ala550Val). This variant is present in population databases (rs764297840, gnomAD 0.01%). This variant has not been reported in the literature in individuals affected with RECQL4-related conditions. ClinVar contains an entry for this variant (Variation ID: 212027). Invitae Evidence Modeling of protein sequence and biophysical properties (such as structural, functional, and spatial information, amino acid conservation, physicochemical variation, residue mobility, and thermodynamic stability) indicates that this missense variant is not expected to disrupt RECQL4 protein function with a negative predictive value of 80%. In summary, the available evidence is currently insufficient to determine the role of this variant in disease. Therefore, it has been classified as a Variant of Uncertain Significance.

Mayo Clinic Laboratories, Mayo Clinic
Classification: Uncertain significance. Last evaluated: 2025-11-28. Review status: criteria provided, single submitter. Criteria: ACMG Guidelines, 2015. Collection method: clinical testing. Allele origin: germline. Observed: 1 variant allele.

Fulgent Genetics
Classification: Uncertain significance for Baller-Gerold syndrome; Rapadilino syndrome; Rothmund-Thomson syndrome type 2. Last evaluated: 2018-10-31. Review status: criteria provided, single submitter. Criteria: ACMG Guidelines, 2015. Collection method: clinical testing. Allele origin: unknown.

Genetic Services Laboratory, University of Chicago
Classification: Uncertain significance. Last evaluated: 2015-07-14. Review status: criteria provided, single submitter. Criteria: ACMG Guidelines, 2015. Collection method: clinical testing. Allele origin: germline.

PreventionGenetics, part of Exact Sciences
Classification: Uncertain significance for RECQL4-related condition. Last evaluated: 2024-06-25. Review status: no assertion criteria provided. Collection method: clinical testing. Allele origin: germline. Not counted in ClinVar's aggregate classification.
Comment: The RECQL4 c.1649C>T variant is predicted to result in the amino acid substitution p.Ala550Val. To our knowledge, this variant has not been reported in the literature. This variant is reported in 0.012% of alleles in individuals of European (Non-Finnish) descent in gnomAD. This variant is interpreted as a variant of uncertain significance in ClinVar. At this time, the clinical significance of this variant is uncertain due to the absence of conclusive functional and genetic evidence.